The following is an entry in ClinVar:

NM_001540.5(HSPB1):c.545C>T (p.Pro182Leu)

Gene: HSPB1 (heat shock protein family B (small) member 1; plus strand). Cytogenetic location: 7q11.23.
Variant type: single nucleotide variant.
Coding change: c.545C>T on transcript NM_001540.5 (MANE Select); coding-DNA position 545, C replaced by T.
Protein change: p.Pro182Leu; replaces proline 182 with leucine.
Molecular consequence: missense variant.
Genome position (GRCh38, 1-based): chr7:76,304,100, C>T. VCF-style: chr7-76304100-C-T. GRCh37 (hg19) VCF-style: chr7-75933417-C-T.
Other names: c.545C>T, p.Pro182Leu (LRG_248t1); short protein forms P182L.
Identifiers: ClinVar variation 7481 (VCV000007481.4), dbSNP rs28937569, ClinGen allele CA118826.
Genomic context (GRCh38, chr7:76,304,100, plus strand): 5'-CACTGACCGTGGAGGCCCCCATGCCCAAGCTAGCCACGCAGTCCAACGAGATCACCATCC[C>T]AGTCACCTTCGAGTCGCGGGCCCAGCTTGGGGGCCCAGAAGCTGCAAAATCCGATGAGAC-3'
Protein context (NP_001531.1, residues 172-192): LATQSNEITI[Pro182Leu]VTFESRAQLG

ClinVar aggregate classification (germline): Pathogenic. Review status: criteria provided, single submitter (1 of 4 stars). 2 submissions from 2 submitters: Pathogenic (1). 1 of the submissions does not count toward it. Last evaluated 2024-12-02.

Conditions:
Neuronopathy, distal hereditary motor, type 2B. Also called: NEURONOPATHY, DISTAL HEREDITARY MOTOR, AUTOSOMAL DOMINANT 3; NEURONOPATHY, DISTAL HEREDITARY MOTOR, HARDING TYPE IIB; NEUROPATHY, DISTAL HEREDITARY MOTOR, HARDING TYPE IIB; HMN IIB. Identifiers: Orphanet 139525, MedGen C2608087, MONDO:0012080, OMIM 608634.
Charcot-Marie-Tooth disease axonal type 2F (CMT2F). Also called: Charcot-Marie-Tooth Neuropathy Type 2F; CHARCOT-MARIE-TOOTH DISEASE, NEURONAL, TYPE 2F. Identifiers: Orphanet 99940, MedGen C1847823, MONDO:0011687, OMIM 606595.

Submissions (2):

Labcorp Genetics (formerly Invitae), Labcorp
Classification: Pathogenic for Charcot-Marie-Tooth disease axonal type 2F. Last evaluated: 2024-12-02. Review status: criteria provided, single submitter. Criteria: Invitae Variant Classification Sherloc (09022015). Collection method: clinical testing. Allele origin: germline.
Comment: This sequence change replaces proline, which is neutral and non-polar, with leucine, which is neutral and non-polar, at codon 182 of the HSPB1 protein (p.Pro182Leu). This variant is not present in population databases (gnomAD no frequency). This missense change has been observed in individual(s) with autosomal dominant distal hereditary motor neuropathy (PMID: 15122254, 18325928). It has also been observed to segregate with disease in related individuals. ClinVar contains an entry for this variant (Variation ID: 7481). Invitae Evidence Modeling of protein sequence and biophysical properties (such as structural, functional, and spatial information, amino acid conservation, physicochemical variation, residue mobility, and thermodynamic stability) indicates that this missense variant is expected to disrupt HSPB1 protein function with a positive predictive value of 95%. Experimental studies have shown that this missense change affects HSPB1 function (PMID: 16368711, 21785432, 23728742, 30669930, 33644875). This variant disrupts the p.Pro182 amino acid residue in HSPB1. Other variant(s) that disrupt this residue have been determined to be pathogenic (PMID: 16155736). This suggests that this residue is clinically significant, and that variants that disrupt this residue are likely to be disease-causing. For these reasons, this variant has been classified as Pathogenic.

OMIM
Classification: Pathogenic for NEURONOPATHY, DISTAL HEREDITARY MOTOR, AUTOSOMAL DOMINANT 3. Last evaluated: 2006-01-15. Review status: no assertion criteria provided. Collection method: literature only. Allele origin: germline. Not counted in ClinVar's aggregate classification.

Literature cited by the submitters: PubMed 15122254 (cited by Labcorp Genetics (formerly Invitae), Labcorp and OMIM); PubMed 18325928 (cited by Labcorp Genetics (formerly Invitae), Labcorp); PubMed 16368711 (cited by Labcorp Genetics (formerly Invitae), Labcorp and OMIM); PubMed 21785432 (cited by Labcorp Genetics (formerly Invitae), Labcorp); PubMed 23728742 (cited by Labcorp Genetics (formerly Invitae), Labcorp); PubMed 30669930 (cited by Labcorp Genetics (formerly Invitae), Labcorp); PubMed 33644875 (cited by Labcorp Genetics (formerly Invitae), Labcorp); PubMed 16155736 (cited by Labcorp Genetics (formerly Invitae), Labcorp).